The following is an entry in ClinVar:

NM_005726.6(TSFM):c.484-977A>G

Gene: TSFM (Ts translation elongation factor, mitochondrial; plus strand). Cytogenetic location: 12q14.1.
Variant type: single nucleotide variant.
Coding change: c.484-977A>G on transcript NM_005726.6 (MANE Select); 977 bases into the intron before coding-DNA position 484, A replaced by G.
Molecular consequence: intron variant. On other transcripts: synonymous variant (1).
Genome position (GRCh38, 1-based): chr12:57,792,009, A>G. VCF-style: chr12-57792009-A-G. GRCh37 (hg19) VCF-style: chr12-58185792-A-G.
Other names: c.528A>G, p.Glu176= (NM_001172696.2); c.484-977A>G (NM_001172697.2); c.484-4168A>G (NM_001172695.2).
Identifiers: ClinVar variation 1290523 (VCV001290523.11), dbSNP rs1232061514, ClinGen allele CA480285044.
Genomic context (GRCh38, chr12:57,792,009, plus strand): 5'-TATTGTTCTTGGCCAGGTGCAGTGGCTCACGCCTGTAAACCTAGCACTTTGGGAGGCTGA[A>G]GCAGGTGGATCACTTGAGGTCAGGAGTTCAAGACCAGCGTGGCCAACATGGTGAAACCCT-3'

ClinVar aggregate classification (germline): Benign/Likely benign. Review status: criteria provided, multiple submitters, no conflicts (2 of 4 stars). 3 submissions from 3 submitters: Benign (2); Likely benign (1). Last evaluated 2025-06-01.

Submissions (3):

CeGaT Center for Human Genetics Tuebingen
Classification: Likely benign. Last evaluated: 2025-06-01. Review status: criteria provided, single submitter. Criteria: CeGaT Center For Human Genetics Tuebingen Variant Classification Criteria Version 2. Collection method: clinical testing. Allele origin: germline. Affected: yes. Observed: 1 variant allele.
Comment: TSFM: BP4, BP7

GeneDx
Classification: Benign. Last evaluated: 2015-03-03. Review status: criteria provided, single submitter. Criteria: GeneDx Variant Classification Process June 2021. Collection method: clinical testing. Allele origin: germline. Affected: yes.

Breakthrough Genomics
Classification: Benign. Review status: criteria provided, single submitter. Criteria: ACMG Guidelines, 2015. Collection method: not provided. Allele origin: germline. Inheritance: Autosomal recessive inheritance. Affected: yes.